The following is an entry in ClinVar:

ClinVar aggregate classification (germline): Uncertain significance. Review status: criteria provided, multiple submitters, no conflicts (2 of 4 stars). 2 submissions from 2 submitters: Uncertain significance (2). Last evaluated 2023-03-09.

Conditions:
Hereditary cancer-predisposing syndrome. Also called: Neoplastic Syndromes, Hereditary; Tumor predisposition; Hereditary Cancer Syndrome; Hereditary neoplastic syndrome. Identifiers: Orphanet 140162, MedGen C0027672, MeSH D009386, MONDO:0015356.
Familial adenomatous polyposis 1 (FAP1). Also called: POLYPOSIS, ADENOMATOUS INTESTINAL; FAMILIAL ADENOMATOUS POLYPOSIS 1, ATTENUATED. Identifiers: MedGen C2713442, MONDO:0021056, OMIM 175100. Disease mechanism: loss of function.

Submissions (2):

Labcorp Genetics (formerly Invitae), Labcorp
Classification: Uncertain significance for Familial adenomatous polyposis 1. Last evaluated: 2023-03-09. Review status: criteria provided, single submitter. Criteria: Invitae Variant Classification Sherloc (09022015). Collection method: clinical testing. Allele origin: germline.
Comment: This variant has not been reported in the literature in individuals affected with APC-related conditions. This sequence change replaces glutamine, which is neutral and polar, with arginine, which is basic and polar, at codon 978 of the APC protein (p.Gln978Arg). This variant is not present in population databases (gnomAD no frequency). ClinVar contains an entry for this variant (Variation ID: 1797840). Advanced modeling of protein sequence and biophysical properties (such as structural, functional, and spatial information, amino acid conservation, physicochemical variation, residue mobility, and thermodynamic stability) performed at Invitae indicates that this missense variant is not expected to disrupt APC protein function. In summary, the available evidence is currently insufficient to determine the role of this variant in disease. Therefore, it has been classified as a Variant of Uncertain Significance.

Ambry Genetics
Classification: Uncertain significance for Hereditary cancer-predisposing syndrome. Last evaluated: 2020-09-09. Review status: criteria provided, single submitter. Criteria: Ambry Variant Classification Scheme 2023. Collection method: clinical testing. Allele origin: germline.
Comment: The p.Q978R variant (also known as c.2933A>G), located in coding exon 15 of the APC gene, results from an A to G substitution at nucleotide position 2933. The glutamine at codon 978 is replaced by arginine, an amino acid with highly similar properties. This amino acid position is well conserved in available vertebrate species. In addition, in silico predictors for this gene do not accurately predict pathogenicity. Since supporting evidence is limited at this time, the clinical significance of this alteration remains unclear.

NM_000038.6(APC):c.2933A>G (p.Gln978Arg)

Gene: APC (APC regulator of Wnt signaling pathway; plus strand). Cytogenetic location: 5q22.2.
Variant type: single nucleotide variant.
Coding change: c.2933A>G on transcript NM_000038.6 (MANE Select); coding-DNA position 2933, A replaced by G.
Protein change: p.Gln978Arg; replaces glutamine 978 with arginine.
Molecular consequence: missense variant.
Genome position (GRCh38, 1-based): chr5:112,838,527, A>G. VCF-style: chr5-112838527-A-G. GRCh37 (hg19) VCF-style: chr5-112174224-A-G.
Other names: c.2933A>G, p.Gln978Arg (NM_001127510.3, NM_001354895.2, NM_001407450.1); c.2879A>G, p.Gln960Arg (NM_001127511.3); c.2987A>G, p.Gln996Arg (NM_001354896.2, NM_001407447.1, NM_001407448.1 and 1 more transcripts); c.2963A>G, p.Gln988Arg (NM_001354897.2); c.2858A>G, p.Gln953Arg (NM_001354898.2); c.2849A>G, p.Gln950Arg (NM_001354899.2); c.2810A>G, p.Gln937Arg (NM_001354900.2); c.2756A>G, p.Gln919Arg (NM_001354901.2, NM_001407453.1); and 11 more; short protein forms Q818R, Q937R, Q971R, Q996R, Q1006R, Q849R, Q877R, Q953R.
Identifiers: ClinVar variation 1797840 (VCV001797840.5), dbSNP rs730881223, ClinGen allele CA16027737.